The following is an entry in ClinVar:

ClinVar aggregate classification (germline): Uncertain significance (1 of 4 stars; one submission).

gnomAD v4.1: 1 of 1,614,108 alleles (0.000062%); highest among the groups gnomAD compares: Non-Finnish European, 0.000085%; no homozygotes.

Submission:

Labcorp Genetics (formerly Invitae), Labcorp
Classification: Uncertain significance. Last evaluated: 2024-04-25. Review status: criteria provided, single submitter. Criteria: Invitae Variant Classification Sherloc (09022015). Collection method: clinical testing. Allele origin: germline.
Comment: This sequence change replaces serine, which is neutral and polar, with phenylalanine, which is neutral and non-polar, at codon 605 of the CACNA1D protein (p.Ser605Phe). This variant is not present in population databases (gnomAD no frequency). This variant has not been reported in the literature in individuals affected with CACNA1D-related conditions. Advanced modeling of protein sequence and biophysical properties (such as structural, functional, and spatial information, amino acid conservation, physicochemical variation, residue mobility, and thermodynamic stability) performed at Invitae indicates that this missense variant is not expected to disrupt CACNA1D protein function with a negative predictive value of 80%. In summary, the available evidence is currently insufficient to determine the role of this variant in disease. Therefore, it has been classified as a Variant of Uncertain Significance.

NM_001128840.3(CACNA1D):c.1754C>T (p.Ser585Phe)

Gene: CACNA1D (calcium voltage-gated channel subunit alpha1 D; plus strand). Cytogenetic location: 3p21.1.
Variant type: single nucleotide variant.
Coding change: c.1754C>T on transcript NM_001128840.3 (MANE Select); coding-DNA position 1754, C replaced by T.
Protein change: p.Ser585Phe; replaces serine 585 with phenylalanine.
Molecular consequence: missense variant.
Genome position (GRCh38, 1-based): chr3:53,723,521, C>T. VCF-style: chr3-53723521-C-T. GRCh37 (hg19) VCF-style: chr3-53757548-C-T.
Other names: c.1814C>T, p.Ser605Phe (NM_000720.4); c.1754C>T, p.Ser585Phe (NM_001128839.3); short protein forms S585F, S605F.
Identifiers: ClinVar variation 3650851 (VCV003650851.2).